The following is an entry in ClinVar:

NM_000548.5(TSC2):c.1867G>T (p.Ala623Ser)

Gene: TSC2 (TSC complex subunit 2; plus strand). Cytogenetic location: 16p13.3.
Variant type: single nucleotide variant.
Coding change: c.1867G>T on transcript NM_000548.5 (MANE Select); coding-DNA position 1867, G replaced by T.
Protein change: p.Ala623Ser; replaces alanine 623 with serine.
Molecular consequence: missense variant.
Genome position (GRCh38, 1-based): chr16:2,071,537, G>T. VCF-style: chr16-2071537-G-T. GRCh37 (hg19) VCF-style: chr16-2121538-G-T.
Other names: c.1867G>T, p.Ala623Ser (NM_001077183.3, NM_001114382.3, NM_001363528.2 and 3 more transcripts); c.1756G>T, p.Ala586Ser (NM_001318827.2); c.1720G>T, p.Ala574Ser (NM_001318829.2); c.1267G>T, p.Ala423Ser (NM_001318831.2); c.1900G>T, p.Ala634Ser (NM_001318832.2); short protein forms A574S, A586S, A623S, A634S, A423S.
Identifiers: ClinVar variation 659135 (VCV000659135.8), dbSNP rs1596342269, ClinGen allele CA394273078.

ClinVar aggregate classification (germline): Uncertain significance (1 of 4 stars; one submission).

Conditions:
Tuberous sclerosis 2 (TSC2). Identifiers: Orphanet 805, MedGen C1860707, MONDO:0013199, OMIM 613254.

Submission:

Labcorp Genetics (formerly Invitae), Labcorp
Classification: Uncertain significance for Tuberous sclerosis 2. Last evaluated: 2024-03-27. Review status: criteria provided, single submitter. Criteria: Invitae Variant Classification Sherloc (09022015). Collection method: clinical testing. Allele origin: germline.
Comment: This sequence change replaces alanine, which is neutral and non-polar, with serine, which is neutral and polar, at codon 623 of the TSC2 protein (p.Ala623Ser). This variant is not present in population databases (gnomAD no frequency). This variant has not been reported in the literature in individuals affected with TSC2-related conditions. ClinVar contains an entry for this variant (Variation ID: 659135). Advanced modeling of protein sequence and biophysical properties (such as structural, functional, and spatial information, amino acid conservation, physicochemical variation, residue mobility, and thermodynamic stability) performed at Invitae indicates that this missense variant is not expected to disrupt TSC2 protein function with a negative predictive value of 95%. In summary, the available evidence is currently insufficient to determine the role of this variant in disease. Therefore, it has been classified as a Variant of Uncertain Significance.